The following is an entry in ClinVar:

ClinVar aggregate classification (germline): Pathogenic (1 of 4 stars; one submission).

Submission:

Labcorp Genetics (formerly Invitae), Labcorp
Classification: Pathogenic. Last evaluated: 2022-08-15. Review status: criteria provided, single submitter. Criteria: Invitae Variant Classification Sherloc (09022015). Collection method: clinical testing. Allele origin: germline.
Comment: This missense change has been observed in individual(s) with autosomal dominant low-frequency deafness (PMID: 12650912). It has also been observed to segregate with disease in related individuals. This variant is not present in population databases (gnomAD no frequency). This sequence change replaces lysine, which is basic and polar, with asparagine, which is neutral and polar, at codon 705 of the WFS1 protein (p.Lys705Asn). For these reasons, this variant has been classified as Pathogenic. Algorithms developed to predict the effect of missense changes on protein structure and function are either unavailable or do not agree on the potential impact of this missense change (SIFT: "Deleterious"; PolyPhen-2: "Probably Damaging"; Align-GVGD: "Class C0"). ClinVar contains an entry for this variant (Variation ID: 1458536).

Literature cited by the submitters: PubMed 12650912.

NM_006005.3(WFS1):c.2115G>C (p.Lys705Asn)

Gene: WFS1 (wolframin ER transmembrane glycoprotein; plus strand). Cytogenetic location: 4p16.1.
Variant type: single nucleotide variant.
Coding change: c.2115G>C on transcript NM_006005.3 (MANE Select); coding-DNA position 2115, G replaced by C.
Protein change: p.Lys705Asn; replaces lysine 705 with asparagine.
Molecular consequence: missense variant.
Genome position (GRCh38, 1-based): chr4:6,301,910, G>C. VCF-style: chr4-6301910-G-C. GRCh37 (hg19) VCF-style: chr4-6303637-G-C.
Other names: c.2115G>C, p.Lys705Asn (NM_001145853.1); short protein forms K705N.
Identifiers: ClinVar variation 1458536 (VCV001458536.6), dbSNP rs2109127018, ClinGen allele CA356177762.